The following is an entry in ClinVar:

ClinVar aggregate classification (germline): Conflicting classifications of pathogenicity. Review status: criteria provided, conflicting classifications (1 of 4 stars). 3 submissions from 3 submitters: Uncertain significance (2); Likely benign (1). Last evaluated 2026-07-13.

Conditions:
ABCC6-related disorder. Also called: ABCC6-related condition.
Inborn genetic diseases. Identifiers: MedGen C0950123, MeSH D030342.
Autosomal recessive inherited pseudoxanthoma elasticum (PXE). Identifiers: Orphanet 758, MedGen CN032334, MONDO:0009925, OMIM 264800.
Pseudoxanthoma elasticum, forme fruste. Also called: PSEUDOXANTHOMA ELASTICUM, HETEROZYGOUS; Pseudoxanthoma Elasticum, Incomplete. Identifiers: Orphanet 758, MedGen C1867450, MONDO:0008333, OMIM 177850.
Arterial calcification, generalized, of infancy, 2. Identifiers: Orphanet 51608, MedGen C3276161, MONDO:0013768, OMIM 614473.

gnomAD v4.1: 47 of 1,613,602 alleles (0.0029%); highest among the groups gnomAD compares: African/African-American, 0.057%; no homozygotes.

Submissions (3):

PreventionGenetics, part of Exact Sciences
Classification: Uncertain significance for ABCC6-related condition. Last evaluated: 2026-07-13. Review status: criteria provided, single submitter. Criteria: ACMG Guidelines, 2015. Collection method: clinical testing. Allele origin: germline.
Comment: The ABCC6 c.170A>G variant is predicted to result in the amino acid substitution p.His57Arg. To our knowledge, this variant has not been reported in the literature. This variant is reported in 0.048% of alleles in individuals of African descent in gnomAD. At this time, the clinical significance of this variant is uncertain due to the absence of conclusive functional and genetic evidence.

Ambry Genetics
Classification: Likely benign for Inborn genetic diseases. Last evaluated: 2025-08-22. Review status: criteria provided, single submitter. Criteria: Ambry Variant Classification Scheme 2023. Collection method: clinical testing. Allele origin: germline.

Fulgent Genetics
Classification: Uncertain significance for Pseudoxanthoma elasticum, forme fruste; Autosomal recessive inherited pseudoxanthoma elasticum; Arterial calcification, generalized, of infancy, 2. Last evaluated: 2024-03-25. Review status: criteria provided, single submitter. Criteria: ACMG Guidelines, 2015. Collection method: clinical testing. Allele origin: germline.

NM_001171.6(ABCC6):c.170A>G (p.His57Arg)

Gene: ABCC6 (ATP binding cassette subfamily C member 6; minus strand). Cytogenetic location: 16p13.11.
Variant type: single nucleotide variant.
Coding change: c.170A>G on transcript NM_001171.6 (MANE Select); coding-DNA position 170, A replaced by G.
Protein change: p.His57Arg; replaces histidine 57 with arginine.
Molecular consequence: missense variant. On other transcripts: 5 prime UTR variant (1), non-coding transcript variant (1).
Genome position (GRCh38, 1-based): chr16:16,221,698, T>C on the plus strand (A>G on the coding strand, the complement: ABCC6 is on the minus strand). VCF-style: chr16-16221698-T-C. GRCh37 (hg19) VCF-style: chr16-16315555-T-C.
Other names: c.170A>G, p.His57Arg (NM_001079528.4); c.-204A>G (NM_001351800.1); c.170A>G (NM_001171.5); short protein forms H57R.
Identifiers: ClinVar variation 3578638 (VCV003578638.3).